The following is an entry in ClinVar:

NM_001845.6(COL4A1):c.4702C>T (p.Pro1568Ser)

Gene: COL4A1 (collagen type IV alpha 1 chain; minus strand). Cytogenetic location: 13q34.
Variant type: single nucleotide variant.
Coding change: c.4702C>T on transcript NM_001845.6 (MANE Select); coding-DNA position 4702, C replaced by T.
Protein change: p.Pro1568Ser; replaces proline 1568 with serine.
Molecular consequence: missense variant.
Genome position (GRCh38, 1-based): chr13:110,155,336, G>A on the plus strand (C>T on the coding strand, the complement: COL4A1 is on the minus strand). VCF-style: chr13-110155336-G-A. GRCh37 (hg19) VCF-style: chr13-110807683-G-A.
Other names: short protein forms P1568S.
Identifiers: ClinVar variation 3645111 (VCV003645111.2).
Genomic context (GRCh38, chr13:110,155,336, plus strand): 5'-CACTTACCATCACAAAAGAGTAGCCGATCCACAGCGAGGACCACCCGCTGGGGCACGGTG[G>A]GATCTGAATGGTCTGGCTGTGCACGGCCATCACCATGGCAGGCGCCTCACACACAGCACA-3'
Protein context (NP_001836.3, residues 1558-1578): MAVHSQTIQI[Pro1568Ser]PCPSGWSSLW

ClinVar aggregate classification (germline): Uncertain significance (1 of 4 stars; one submission).

gnomAD v4.1: 1 of 1,614,190 alleles (0.000062%); highest among the groups gnomAD compares: Non-Finnish European, 0.000085%; no homozygotes.

Submission:

Labcorp Genetics (formerly Invitae), Labcorp
Classification: Uncertain significance. Last evaluated: 2024-03-08. Review status: criteria provided, single submitter. Criteria: Invitae Variant Classification Sherloc (09022015). Collection method: clinical testing. Allele origin: germline.
Comment: This sequence change replaces proline, which is neutral and non-polar, with serine, which is neutral and polar, at codon 1568 of the COL4A1 protein (p.Pro1568Ser). This variant is not present in population databases (gnomAD no frequency). This variant has not been reported in the literature in individuals affected with COL4A1-related conditions. Experimental studies and prediction algorithms are not available or were not evaluated, and the functional significance of this variant is currently unknown. In summary, the available evidence is currently insufficient to determine the role of this variant in disease. Therefore, it has been classified as a Variant of Uncertain Significance.